The following is an entry in ClinVar:

NM_024675.4(PALB2):c.2996+10G>A

Gene: PALB2 (partner and localizer of BRCA2; minus strand). Cytogenetic location: 16p12.2.
Variant type: single nucleotide variant.
Coding change: c.2996+10G>A on transcript NM_024675.4 (MANE Select); 10 bases into the intron after coding-DNA position 2996, G replaced by A.
Molecular consequence: intron variant.
Genome position (GRCh38, 1-based): chr16:23,622,959, C>T on the plus strand (G>A on the coding strand, the complement: PALB2 is on the minus strand). VCF-style: chr16-23622959-C-T. GRCh37 (hg19) VCF-style: chr16-23634280-C-T.
Identifiers: ClinVar variation 1618231 (VCV001618231.10), dbSNP rs773023007, ClinGen allele CA494180361.
Genomic context (GRCh38, chr16:23,622,959, plus strand): 5'-ACTTTCTCTGAAACCTGTGATAAAATCATTCTTCATCTAATAGTTAAAAATCAATCAATG[C>T]TTTTCTTACCCTCCATCTTCTGCAAACGTCATGACTTCTACTTGTTGATCAGAAAGGGTC-3'

ClinVar aggregate classification (germline): Likely benign. Review status: criteria provided, multiple submitters, no conflicts (2 of 4 stars). 2 submissions from 2 submitters: Likely benign (2). Last evaluated 2025-01-21.

Conditions:
Familial cancer of breast. Also called: Hereditary breast cancer; hereditary breast carcinoma; BREAST CANCER, FAMILIAL. Identifiers: Orphanet 227535, MedGen C0346153, MONDO:0016419, OMIM 114480. Disease mechanism: loss of function.

Submissions (2):

Myriad Genetics, Inc.
Classification: Likely benign for Familial cancer of breast. Last evaluated: 2025-01-21. Review status: criteria provided, single submitter. Criteria: Myriad Autosomal Dominant, Autosomal Recessive and X-Linked Classification Criteria (2023). Collection method: clinical testing. Allele origin: unknown.
Comment: This variant is considered likely benign. This variant is intronic and is not expected to impact mRNA splicing.

Labcorp Genetics (formerly Invitae), Labcorp
Classification: Likely benign for Familial cancer of breast. Last evaluated: 2021-11-07. Review status: criteria provided, single submitter. Criteria: Invitae Variant Classification Sherloc (09022015). Collection method: clinical testing. Allele origin: germline.